The following is an entry in ClinVar:

ClinVar aggregate classification (germline): Uncertain significance (1 of 4 stars; one submission).

Conditions:
Epidermolysis bullosa simplex with nail dystrophy (EBS5D). Identifiers: MedGen C4225309, MONDO:0014661, OMIM 616487.
Epidermolysis bullosa simplex, Ogna type (EBS5A). Also called: Pidermolysis bullosa simplex 5A, Ogna type; EPIDERMOLYSIS BULLOSA SIMPLEX 5A, OGNA TYPE. Identifiers: Orphanet 79401, MedGen C0432317, MONDO:0007555, OMIM 131950.
Epidermolysis bullosa simplex 5B, with muscular dystrophy (EBS5B). Also called: Epidermolysis bullosa simplex with muscular dystrophy; EPIDERMOLYSIS BULLOSA SIMPLEX AND LIMB-GIRDLE MUSCULAR DYSTROPHY. Identifiers: Orphanet 257, MedGen C2931072, MONDO:0009181, OMIM 226670.
Autosomal recessive limb-girdle muscular dystrophy type 2Q (LGMDR17). Also called: MUSCULAR DYSTROPHY, LIMB-GIRDLE, AUTOSOMAL RECESSIVE 17. Identifiers: Orphanet 254361, MedGen C3150989, MONDO:0013390, OMIM 613723.
Epidermolysis bullosa simplex 5C, with pyloric atresia (EBS5C). Also called: PLEC-Related Epidermolysis Bullosa with Pyloric Atresia; Epidermolysis bullosa simplex with pyloric atresia; PLEC1-Related Epidermolysis Bullosa with Pyloric Atresia. Identifiers: Orphanet 158684, MedGen C2677349, MONDO:0012807, OMIM 612138.

Submission:

Labcorp Genetics (formerly Invitae), Labcorp
Classification: Uncertain significance for Autosomal recessive limb-girdle muscular dystrophy type 2Q; Epidermolysis bullosa simplex, Ogna type; Epidermolysis bullosa simplex with nail dystrophy; Epidermolysis bullosa simplex 5C, with pyloric atresia; Epidermolysis bullosa simplex 5B, with muscular dystrophy. Last evaluated: 2025-09-08. Review status: criteria provided, single submitter. Criteria: Invitae Variant Classification Sherloc (09022015). Collection method: clinical testing. Allele origin: germline.
Comment: This sequence change replaces glycine, which is neutral and non-polar, with arginine, which is basic and polar, at codon 1182 of the PLEC protein (p.Gly1182Arg). This variant is not present in population databases (gnomAD no frequency). This variant has not been reported in the literature in individuals affected with PLEC-related conditions. Invitae Evidence Modeling of protein sequence and biophysical properties (such as structural, functional, and spatial information, amino acid conservation, physicochemical variation, residue mobility, and thermodynamic stability) indicates that this missense variant is not expected to disrupt PLEC protein function with a negative predictive value of 80%. In summary, the available evidence is currently insufficient to determine the role of this variant in disease. Therefore, it has been classified as a Variant of Uncertain Significance.

NM_201384.3(PLEC):c.3463G>A (p.Gly1155Arg)

Gene: PLEC (plectin; minus strand). Cytogenetic location: 8q24.3.
Variant type: single nucleotide variant.
Coding change: c.3463G>A on transcript NM_201384.3 (MANE Select); coding-DNA position 3463, G replaced by A.
Protein change: p.Gly1155Arg; replaces glycine 1155 with arginine.
Molecular consequence: missense variant.
Genome position (GRCh38, 1-based): chr8:143,927,703, C>T on the plus strand (G>A on the coding strand, the complement: PLEC is on the minus strand). VCF-style: chr8-143927703-C-T. GRCh37 (hg19) VCF-style: chr8-145001871-C-T.
Other names: c.3544G>A, p.Gly1182Arg (NM_000445.5, NM_001410941.1); c.3421G>A, p.Gly1141Arg (NM_201378.4); c.3397G>A, p.Gly1133Arg (NM_201379.3); c.3874G>A, p.Gly1292Arg (NM_201380.4); c.3367G>A, p.Gly1123Arg (NM_201381.3); c.3463G>A, p.Gly1155Arg (NM_201382.4); c.3475G>A, p.Gly1159Arg (NM_201383.3); short protein forms G1123R, G1182R, G1133R, G1155R, G1292R, G1141R, G1159R.
Identifiers: ClinVar variation 4782341 (VCV004782341.1).